The following is an entry in ClinVar:

NM_000702.4(ATP1A2):c.31C>T (p.Pro11Ser)

Gene: ATP1A2 (ATPase Na+/K+ transporting subunit alpha 2; plus strand). Cytogenetic location: 1q23.2.
Variant type: single nucleotide variant.
Coding change: c.31C>T on transcript NM_000702.4 (MANE Select); coding-DNA position 31, C replaced by T.
Protein change: p.Pro11Ser; replaces proline 11 with serine.
Molecular consequence: missense variant.
Genome position (GRCh38, 1-based): chr1:160,120,924, C>T. VCF-style: chr1-160120924-C-T. GRCh37 (hg19) VCF-style: chr1-160090714-C-T.
Other names: short protein forms P11S.
Identifiers: ClinVar variation 3370081 (VCV003370081.1).

ClinVar aggregate classification (germline): Uncertain significance (1 of 4 stars; one submission).

Submission:

GeneDx
Classification: Uncertain significance. Last evaluated: 2023-12-19. Review status: criteria provided, single submitter. Criteria: GeneDx Variant Classification Process June 2021. Collection method: clinical testing. Allele origin: germline. Affected: yes.
Comment: Not observed at significant frequency in large population cohorts (gnomAD); In silico analysis supports that this missense variant does not alter protein structure/function; Has not been previously published as pathogenic or benign to our knowledge